The following is an entry in ClinVar:

NM_001283009.2(RTEL1):c.897C>G (p.Phe299Leu)

Genes: RTEL1 (regulator of telomere elongation helicase 1; plus strand), RTEL1-TNFRSF6B (RTEL1-TNFRSF6B readthrough (NMD candidate); plus strand). Cytogenetic location: 20q13.33.
Variant type: single nucleotide variant.
Coding change: c.897C>G on transcript NM_001283009.2 (MANE Select); coding-DNA position 897, C replaced by G.
Protein change: p.Phe299Leu; replaces phenylalanine 299 with leucine.
Molecular consequence: missense variant. On other transcripts: non-coding transcript variant (1).
Genome position (GRCh38, 1-based): chr20:63,674,071, C>G. VCF-style: chr20-63674071-C-G. GRCh37 (hg19) VCF-style: chr20-62305424-C-G.
Other names: c.228C>G, p.Phe76Leu (NM_001283010.1); c.897C>G, p.Phe299Leu (NM_016434.4); c.969C>G, p.Phe323Leu (NM_032957.5); short protein forms F299L, F323L, F76L.
Identifiers: ClinVar variation 1896726 (VCV001896726.3), dbSNP rs774447336, ClinGen allele CA9964476.

ClinVar aggregate classification (germline): Uncertain significance. Review status: criteria provided, multiple submitters, no conflicts (2 of 4 stars). 2 submissions from 2 submitters: Uncertain significance (2). Last evaluated 2025-02-12.

Conditions:
Inborn genetic diseases. Identifiers: MedGen C0950123, MeSH D030342.
Dyskeratosis congenita, autosomal recessive 5 (DKCB5). Identifiers: MedGen C3554656, MONDO:0014076, OMIM 615190.
Pulmonary fibrosis and/or bone marrow failure, Telomere-related, 3. Also called: PULMONARY FIBROSIS AND/OR BONE MARROW FAILURE SYNDROME, TELOMERE-RELATED, 3. Identifiers: Orphanet 2032, MedGen C4225346, MONDO:0014613, OMIM 616373.

Allele frequency attached by ClinVar (database versions not stated): gnomAD exomes below 0.00001; ExAC 0.00001.
gnomAD v4.1: 2 of 1,612,978 alleles (0.00012%); highest among the groups gnomAD compares: East Asian, 0.0045%; no homozygotes.

Submissions (2):

Ambry Genetics
Classification: Uncertain significance for Inborn genetic diseases. Last evaluated: 2025-02-12. Review status: criteria provided, single submitter. Criteria: Ambry Variant Classification Scheme 2023. Collection method: clinical testing. Allele origin: germline.
Comment: The p.F299L variant (also known as c.897C>G), located in coding exon 9 of the RTEL1 gene, results from a C to G substitution at nucleotide position 897. The phenylalanine at codon 299 is replaced by leucine, an amino acid with highly similar properties. This amino acid position is conserved. In addition, this alteration is predicted to be tolerated by in silico analysis. Based on the available evidence, the clinical significance of this variant remains unclear.

Labcorp Genetics (formerly Invitae), Labcorp
Classification: Uncertain significance for Dyskeratosis congenita, autosomal recessive 5; Pulmonary fibrosis and/or bone marrow failure, Telomere-related, 3. Last evaluated: 2022-03-21. Review status: criteria provided, single submitter. Criteria: Invitae Variant Classification Sherloc (09022015). Collection method: clinical testing. Allele origin: germline.
Comment: This sequence change replaces phenylalanine, which is neutral and non-polar, with leucine, which is neutral and non-polar, at codon 299 of the RTEL1 protein (p.Phe299Leu). This variant is present in population databases (rs774447336, gnomAD 0.01%). This variant has not been reported in the literature in individuals affected with RTEL1-related conditions. Algorithms developed to predict the effect of missense changes on protein structure and function output the following: SIFT: "Tolerated"; PolyPhen-2: "Benign"; Align-GVGD: "Class C0". The leucine amino acid residue is found in multiple mammalian species, which suggests that this missense change does not adversely affect protein function. In summary, the available evidence is currently insufficient to determine the role of this variant in disease. Therefore, it has been classified as a Variant of Uncertain Significance.